The following is an entry in ClinVar:

ClinVar aggregate classification (germline): Pathogenic (1 of 4 stars; one submission).

Conditions:
Autosomal recessive nonsyndromic hearing loss 53. Identifiers: Orphanet 90636, MedGen C1864746, MONDO:0012333, OMIM 609706.

Submission:

Institute of Rare Diseases, West China Hospital, Sichuan University
Classification: Pathogenic for Autosomal recessive nonsyndromic hearing loss 53. Last evaluated: 2025-01-09. Review status: criteria provided, single submitter. Criteria: ClinGen HL ACMG Specifications v1. Collection method: research. Allele origin: germline. Affected: yes.
Comment: PVS1;PM3;PM2_Supporting

NM_080680.3(COL11A2):c.3512_3528+1del

Gene: COL11A2 (collagen type XI alpha 2 chain; minus strand). Cytogenetic location: 6p21.32.
Variant type: Deletion.
Coding change: c.3512_3528+1del on transcript NM_080680.3 (MANE Select); coding-DNA position 3512 through the canonical splice donor site of the intron after coding-DNA position 3528, 18 bases deleted (GAGATGTGGGTCCTATGG).
Molecular consequence: splice donor variant.
Genome position (GRCh38, 1-based): chr6:33,170,556-33,170,573, CCATAGGACCCACATCTC deleted on the plus strand (GAGATGTGGGTCCTATGG on the coding strand, the reverse complement: COL11A2 is on the minus strand); deleting any 18 consecutive bases within chr6:33,170,556-33,170,574 gives the same sequence; the c. name uses the placement nearest the transcript's 3' end. VCF-style (leftmost placement, unchanged base first): chr6-33170555-ACCATAGGACCCACATCTC-A. GRCh37 (hg19) VCF-style: chr6-33138332-ACCATAGGACCCACATCTC-A.
Other names: c.2486_2502+1del (NM_001424111.1, NM_001424110.1); c.3191_3207+1del (NM_080679.3); c.3254_3270+1del (NM_080681.3); c.3332_3348+1del (NM_001424108.1); c.2666_2682+1del (NM_001424109.1); c.1466_1482+1del (NM_001424112.1).
Identifiers: ClinVar variation 3601055 (VCV003601055.1).